The following is an entry in ClinVar:

NM_017739.4(POMGNT1):c.1660G>T (p.Val554Phe)

Genes: POMGNT1 (protein O-linked mannose N-acetylglucosaminyltransferase 1 (beta 1,2-); minus strand), TSPAN1 (tetraspanin 1; plus strand). Cytogenetic location: 1p34.1.
Variant type: single nucleotide variant.
Coding change: c.1660G>T on transcript NM_017739.4 (MANE Select); coding-DNA position 1660, G replaced by T.
Protein change: p.Val554Phe; replaces valine 554 with phenylalanine.
Molecular consequence: missense variant.
Genome position (GRCh38, 1-based): chr1:46,189,979, C>A on the plus strand (G>T on the coding strand, the complement: POMGNT1 is on the minus strand). VCF-style: chr1-46189979-C-A. GRCh37 (hg19) VCF-style: chr1-46655651-C-A.
Other names: c.1660G>T, p.Val554Phe (NM_001243766.2, NM_001410783.1); c.1594G>T, p.Val532Phe (NM_001290129.3); c.1231G>T, p.Val411Phe (NM_001290130.2); short protein forms V411F, V532F, V554F.
Identifiers: ClinVar variation 3343013 (VCV003343013.1).

ClinVar aggregate classification (germline): Uncertain significance (1 of 4 stars; one submission).

Submission:

GeneDx
Classification: Uncertain significance. Last evaluated: 2023-04-11. Review status: criteria provided, single submitter. Criteria: GeneDx Variant Classification Process June 2021. Collection method: clinical testing. Allele origin: germline. Affected: yes.
Comment: Not observed at significant frequency in large population cohorts (gnomAD); In silico analysis supports that this missense variant has a deleterious effect on protein structure/function; Has not been previously published as pathogenic or benign to our knowledge; This variant is associated with the following publications: (PMID: 24282183)